The following is an entry in ClinVar:

NM_001393769.1(MED12L):c.71T>G (p.Val24Gly)

Gene: MED12L (mediator complex subunit 12L; plus strand). Cytogenetic location: 3q25.1.
Variant type: single nucleotide variant.
Coding change: c.71T>G on transcript NM_001393769.1 (MANE Select); coding-DNA position 71, T replaced by G.
Protein change: p.Val24Gly; replaces valine 24 with glycine.
Molecular consequence: missense variant.
Genome position (GRCh38, 1-based): chr3:151,086,997, T>G. VCF-style: chr3-151086997-T-G. GRCh37 (hg19) VCF-style: chr3-150804784-T-G.
Other names: c.71T>G, p.Val24Gly (NM_053002.6); short protein forms V24G.
Identifiers: ClinVar variation 4537604 (VCV004537604.1).

ClinVar aggregate classification (germline): Uncertain significance (1 of 4 stars; one submission).

Submission:

GeneDx
Classification: Uncertain significance. Last evaluated: 2025-06-11. Review status: criteria provided, single submitter. Criteria: GeneDx Variant Classification Process June 2021. Collection method: clinical testing. Allele origin: germline. Affected: yes.
Comment: Not observed at significant frequency in large population cohorts (gnomAD); In silico analysis supports that this missense variant has a deleterious effect on protein structure/function; Has not been previously published as pathogenic or benign to our knowledge